The following is an entry in ClinVar:

ClinVar aggregate classification (germline): Benign (1 of 4 stars; one submission).

Conditions:
Leigh syndrome (NULS). Also called: Leigh's necrotizing encephalopathy; Leigh's disease; Leigh Syndrome (mtDNA deletion); Leigh Disease; Subacute necrotizing encephalopathy; Necrotizing encephalopathy infantile subacute of Leigh. Identifiers: Orphanet 506, MedGen C2931891, MONDO:0009723, OMIM 256000.

Submission:

Wong Mito Lab, Molecular and Human Genetics, Baylor College of Medicine
Classification: Benign for Leigh syndrome. Last evaluated: 2019-10-17. Review status: criteria provided, single submitter. Criteria: Modified ACMG Guidelines (Unpublished). Collection method: clinical testing. Allele origin: germline.
Comment: The NC_012920.1:m.8414C>T (YP_003024030.1:p.Leu17Phe) variant in MTATP8 gene is interpretated to be a Benign variant based on the modified ACMG guidelines (unpublished). This variant meets the following evidence codes: BA1

NC_012920.1(MT-ATP8):m.8414C>T

Gene: MT-ATP8 (mitochondrially encoded ATP synthase 8; plus strand).
Variant type: single nucleotide variant.
Genome position: chrM-8414-C-T.
Identifiers: ClinVar variation 692850 (VCV000692850.1), dbSNP rs28358884, ClinGen allele CA337097854.